The following is an entry in ClinVar:

NM_032436.4(CHAMP1):c.1051A>G (p.Ile351Val)

Gene: CHAMP1 (chromosome alignment maintaining phosphoprotein 1; plus strand). Cytogenetic location: 13q34.
Variant type: single nucleotide variant.
Coding change: c.1051A>G on transcript NM_032436.4 (MANE Select); coding-DNA position 1051, A replaced by G.
Protein change: p.Ile351Val; replaces isoleucine 351 with valine.
Molecular consequence: missense variant.
Genome position (GRCh38, 1-based): chr13:114,324,893, A>G. VCF-style: chr13-114324893-A-G. GRCh37 (hg19) VCF-style: chr13-115090368-A-G.
Other names: c.1051A>G, p.Ile351Val (NM_001164144.3, NM_001164145.3); short protein forms I351V.
Identifiers: ClinVar variation 2628907 (VCV002628907.2), dbSNP rs141506393, ClinGen allele CA7070738.

ClinVar aggregate classification (germline): Uncertain significance (1 of 4 stars; one submission).

Conditions:
CHAMP1-related disorder. Also called: CHAMP1-related condition.

Allele frequency attached by ClinVar (database versions not stated): ExAC 0.00001; gnomAD exomes 0.00001; TOPMed 0.00003; gnomAD 0.00004; ESP Exome Variant Server 0.00008.

Submission:

PreventionGenetics, part of Exact Sciences
Classification: Uncertain significance for CHAMP1-related condition. Last evaluated: 2025-05-29. Review status: criteria provided, single submitter. Criteria: ACMG Guidelines, 2015. Collection method: clinical testing. Allele origin: germline.
Comment: The CHAMP1 c.1051A>G variant is predicted to result in the amino acid substitution p.Ile351Val. To our knowledge, this variant has not been reported in the literature or in a large population database, indicating this variant is rare. At this time, the clinical significance of this variant is uncertain due to the absence of conclusive functional and genetic evidence.